The following is an entry in ClinVar:

NM_014795.4(ZEB2):c.256G>A (p.Asp86Asn)

Gene: ZEB2 (zinc finger E-box binding homeobox 2; minus strand). Cytogenetic location: 2q22.3.
Variant type: single nucleotide variant.
Coding change: c.256G>A on transcript NM_014795.4 (MANE Select); coding-DNA position 256, G replaced by A.
Protein change: p.Asp86Asn; replaces aspartic acid 86 with asparagine.
Molecular consequence: missense variant.
Genome position (GRCh38, 1-based): chr2:144,429,844, C>T on the plus strand (G>A on the coding strand, the complement: ZEB2 is on the minus strand). VCF-style: chr2-144429844-C-T. GRCh37 (hg19) VCF-style: chr2-145187411-C-T.
Other names: c.256G>A, p.Asp86Asn (NM_001171653.2); short protein forms D86N.
Identifiers: ClinVar variation 4993780 (VCV004993780.1).

ClinVar aggregate classification (germline): Uncertain significance (1 of 4 stars; one submission).

Conditions:
ZEB2-related disorder. Also called: ZEB2-related condition.

gnomAD v4.1: 1 of 1,613,836 alleles (0.000062%); no homozygotes.

Submission:

PreventionGenetics, part of Exact Sciences
Classification: Uncertain significance for ZEB2-related condition. Last evaluated: 2025-09-22. Review status: criteria provided, single submitter. Criteria: ACMG Guidelines, 2015. Collection method: clinical testing. Allele origin: germline.
Comment: The ZEB2 c.256G>A variant is predicted to result in the amino acid substitution p.Asp86Asn. To our knowledge, this variant has not been reported in the literature or in a large population database (gnomAD), indicating this variant is rare. At this time, the clinical significance of this variant is uncertain due to the absence of conclusive functional and genetic evidence.